The following is an entry in ClinVar:

ClinVar aggregate classification (germline): Uncertain significance (1 of 4 stars; one submission).

gnomAD v4.1: 5 of 1,605,778 alleles (0.00031%); highest among the groups gnomAD compares: Admixed American, 0.0084%; no homozygotes.

Submission:

Labcorp Genetics (formerly Invitae), Labcorp
Classification: Uncertain significance. Last evaluated: 2024-11-05. Review status: criteria provided, single submitter. Criteria: Invitae Variant Classification Sherloc (09022015). Collection method: clinical testing. Allele origin: germline.
Comment: This sequence change falls in intron 6 of the NDUFS2 gene. It does not directly change the encoded amino acid sequence of the NDUFS2 protein. It affects a nucleotide within the consensus splice site. This variant is present in population databases (rs111808262, gnomAD 0.009%). This variant has not been reported in the literature in individuals affected with NDUFS2-related conditions. ClinVar contains an entry for this variant (Variation ID: 1521344). Variants that disrupt the consensus splice site are a relatively common cause of aberrant splicing (PMID: 17576681, 9536098). Algorithms developed to predict the effect of sequence changes on RNA splicing suggest that this variant may disrupt the consensus splice site. In summary, the available evidence is currently insufficient to determine the role of this variant in disease. Therefore, it has been classified as a Variant of Uncertain Significance.

Literature cited by the submitters: PubMed 17576681; PubMed 9536098.

NM_001377299.1(NDUFS2):c.627+3A>C

Gene: NDUFS2 (NADH:ubiquinone oxidoreductase core subunit S2; plus strand). Cytogenetic location: 1q23.3.
Variant type: single nucleotide variant.
Coding change: c.627+3A>C on transcript NM_001377299.1 (MANE Select); 3 bases into the intron after coding-DNA position 627, A replaced by C.
Molecular consequence: intron variant.
Genome position (GRCh38, 1-based): chr1:161,209,598, A>C. VCF-style: chr1-161209598-A-C. GRCh37 (hg19) VCF-style: chr1-161179388-A-C.
Other names: c.627+3A>C (NM_001377300.1, NM_001377298.1, NM_001377301.1 and 3 more transcripts).
Identifiers: ClinVar variation 1521344 (VCV001521344.6), dbSNP rs111808262, ClinGen allele CA1208624.